The following is an entry in ClinVar:

NM_000532.5(PCCB):c.1252G>A (p.Ala418Thr)

Gene: PCCB (propionyl-CoA carboxylase subunit beta; plus strand). Cytogenetic location: 3q22.3.
Variant type: single nucleotide variant.
Coding change: c.1252G>A on transcript NM_000532.5 (MANE Select); coding-DNA position 1252, G replaced by A.
Protein change: p.Ala418Thr; replaces alanine 418 with threonine.
Molecular consequence: missense variant.
Genome position (GRCh38, 1-based): chr3:136,327,208, G>A. VCF-style: chr3-136327208-G-A. GRCh37 (hg19) VCF-style: chr3-136046050-G-A.
Other names: c.1312G>A, p.Ala438Thr (NM_001178014.2); short protein forms A418T, A438T.
Identifiers: ClinVar variation 2198910 (VCV002198910.1), dbSNP rs748422725, ClinGen allele CA2632115.
Genomic context (GRCh38, chr3:136,327,208, plus strand): 5'-TGTCTAGGCACAGCACAGGAATACGGGGGCATCATCCGGCATGGTGCCAAGCTTCTCTAC[G>A]CATTTGCTGAGGCAACTGTACCCAAAGTCACAGTCATCACCAGGAAGGTGAGGACCTCAT-3'
Protein context (NP_000523.2, residues 408-428): IIRHGAKLLY[Ala418Thr]FAEATVPKVT

ClinVar aggregate classification (germline): Uncertain significance (1 of 4 stars; one submission).

Conditions:
Propionic acidemia (PROP). Also called: GLYCINEMIA, KETOTIC; HYPERGLYCINEMIA WITH KETOACIDOSIS AND LEUKOPENIA; KETOTIC HYPERGLYCINEMIA. Identifiers: Orphanet 35, MedGen C0268579, MONDO:0011628, OMIM 606054, HP:0003571.

Allele frequency attached by ClinVar (database versions not stated): gnomAD exomes below 0.00001; TOPMed below 0.00001; ExAC 0.00001; gnomAD 0.00001.
gnomAD v4.1: 7 of 1,614,036 alleles (0.00043%); highest among the groups gnomAD compares: African/African-American, 0.0013%; no homozygotes.

Submission:

Labcorp Genetics (formerly Invitae), Labcorp
Classification: Uncertain significance for Propionic acidemia. Last evaluated: 2022-08-16. Review status: criteria provided, single submitter. Criteria: Invitae Variant Classification Sherloc (09022015). Collection method: clinical testing. Allele origin: germline.
Comment: This sequence change replaces alanine, which is neutral and non-polar, with threonine, which is neutral and polar, at codon 418 of the PCCB protein (p.Ala418Thr). This variant is present in population databases (rs748422725, gnomAD 0.003%). This missense change has been observed in individual(s) with propionic acidemia (PMID: 29247206). Advanced modeling of protein sequence and biophysical properties (such as structural, functional, and spatial information, amino acid conservation, physicochemical variation, residue mobility, and thermodynamic stability) performed at Invitae indicates that this missense variant is expected to disrupt PCCB protein function. In summary, the available evidence is currently insufficient to determine the role of this variant in disease. Therefore, it has been classified as a Variant of Uncertain Significance.

Literature cited by the submitters: PubMed 29247206.